The following is an entry in ClinVar:

NM_000036.3(AMPD1):c.50T>C (p.Met17Thr)

Gene: AMPD1 (adenosine monophosphate deaminase 1; minus strand). Cytogenetic location: 1p13.2.
Variant type: single nucleotide variant.
Coding change: c.50T>C on transcript NM_000036.3 (MANE Select); coding-DNA position 50, T replaced by C.
Protein change: p.Met17Thr; replaces methionine 17 with threonine.
Molecular consequence: missense variant.
Genome position (GRCh38, 1-based): chr1:114,688,726, A>G on the plus strand (T>C on the coding strand, the complement: AMPD1 is on the minus strand). VCF-style: chr1-114688726-A-G. GRCh37 (hg19) VCF-style: chr1-115231347-A-G.
Other names: c.38T>C, p.Met13Thr (NM_001172626.2); short protein forms M17T, M13T.
Identifiers: ClinVar variation 3685801 (VCV003685801.2).

ClinVar aggregate classification (germline): Uncertain significance (1 of 4 stars; one submission).

Conditions:
Muscle AMP deaminase deficiency (MMDD). Also called: ADENOSINE MONOPHOSPHATE DEAMINASE-1 DEFICIENCY, MYOPATHY DUE TO; Myoadenylate deaminase deficiency, myopathy due to; Adenosine monophosphate deaminase 1 deficiency; AMP deaminase 1 deficiency; Adenosine Monophosphate Deaminase 1; AMPD1 DEFICIENCY. Identifiers: Orphanet 45, MedGen C3714933, MONDO:0014220, OMIM 615511.

Submission:

Labcorp Genetics (formerly Invitae), Labcorp
Classification: Uncertain significance for Muscle AMP deaminase deficiency. Last evaluated: 2024-10-24. Review status: criteria provided, single submitter. Criteria: Invitae Variant Classification Sherloc (09022015). Collection method: clinical testing. Allele origin: germline.
Comment: This sequence change replaces methionine, which is neutral and non-polar, with threonine, which is neutral and polar, at codon 50 of the AMPD1 protein (p.Met50Thr). This variant is not present in population databases (gnomAD no frequency). This variant has not been reported in the literature in individuals affected with AMPD1-related conditions. An algorithm developed to predict the effect of missense changes on protein structure and function outputs the following: PolyPhen-2: "Benign". The threonine amino acid residue is found in multiple mammalian species, which suggests that this missense change does not adversely affect protein function. In summary, the available evidence is currently insufficient to determine the role of this variant in disease. Therefore, it has been classified as a Variant of Uncertain Significance.